The following is an entry in ClinVar:

NM_173598.6(KSR2):c.2405C>T (p.Thr802Met)

Gene: KSR2 (kinase suppressor of ras 2; minus strand). Cytogenetic location: 12q24.22.
Variant type: single nucleotide variant.
Coding change: c.2405C>T on transcript NM_173598.6 (MANE Select); coding-DNA position 2405, C replaced by T.
Protein change: p.Thr802Met; replaces threonine 802 with methionine.
Molecular consequence: missense variant.
Genome position (GRCh38, 1-based): chr12:117,484,461, G>A on the plus strand (C>T on the coding strand, the complement: KSR2 is on the minus strand). VCF-style: chr12-117484461-G-A. GRCh37 (hg19) VCF-style: chr12-117922266-G-A.
Other names: short protein forms T802M.
Identifiers: ClinVar variation 3354589 (VCV003354589.1).

ClinVar aggregate classification (germline): Uncertain significance (0 of 4 stars; one submission).

Conditions:
KSR2-related disorder. Also called: KSR2-related condition.

gnomAD v4.1: 4 of 1,613,944 alleles (0.00025%); highest among the groups gnomAD compares: African/African-American, 0.0013%; no homozygotes.

Submission:

PreventionGenetics, part of Exact Sciences
Classification: Uncertain significance for KSR2-related condition. Last evaluated: 2024-07-09. Review status: no assertion criteria provided. Collection method: clinical testing. Allele origin: germline.
Comment: The KSR2 c.2318C>T variant is predicted to result in the amino acid substitution p.Thr773Met. To our knowledge, this variant has not been reported in the literature. This variant is reported in 0.0065% of alleles in individuals of African descent in gnomAD. At this time, the clinical significance of this variant is uncertain due to the absence of conclusive functional and genetic evidence.